The following is an entry in ClinVar:

NM_001160372.4(TRAPPC9):c.1937C>T (p.Thr646Met)

Gene: TRAPPC9 (trafficking protein particle complex subunit 9; minus strand). Cytogenetic location: 8q24.3.
Variant type: single nucleotide variant.
Coding change: c.1937C>T on transcript NM_001160372.4 (MANE Select); coding-DNA position 1937, C replaced by T.
Protein change: p.Thr646Met; replaces threonine 646 with methionine.
Molecular consequence: missense variant. On other transcripts: non-coding transcript variant (1).
Genome position (GRCh38, 1-based): chr8:140,287,652, G>A on the plus strand (C>T on the coding strand, the complement: TRAPPC9 is on the minus strand). VCF-style: chr8-140287652-G-A. GRCh37 (hg19) VCF-style: chr8-141297751-G-A.
Other names: c.1910C>T, p.Thr637Met (NM_001321646.2); c.1958C>T, p.Thr653Met (NM_001374682.1); c.1937C>T, p.Thr646Met (NM_001374683.1, NM_031466.8); c.1793C>T, p.Thr598Met (NM_001374684.1); short protein forms T646M, T637M, T653M, T598M.
Identifiers: ClinVar variation 1951653 (VCV001951653.3), dbSNP rs557827787, ClinGen allele CA4893266.

ClinVar aggregate classification (germline): Uncertain significance (1 of 4 stars; one submission).

Allele frequency attached by ClinVar (database versions not stated): TOPMed 0.00002; ExAC 0.00002; gnomAD 0.00002.
gnomAD v4.1: 11 of 1,614,064 alleles (0.00068%); highest among the groups gnomAD compares: African/African-American, 0.0027%; no homozygotes.

Submission:

Labcorp Genetics (formerly Invitae), Labcorp
Classification: Uncertain significance. Last evaluated: 2025-10-27. Review status: criteria provided, single submitter. Criteria: Invitae Variant Classification Sherloc (09022015). Collection method: clinical testing. Allele origin: germline.
Comment: This sequence change replaces threonine, which is neutral and polar, with methionine, which is neutral and non-polar, at codon 744 of the TRAPPC9 protein (p.Thr744Met). This variant is present in population databases (rs557827787, gnomAD 0.007%). This variant has not been reported in the literature in individuals affected with TRAPPC9-related conditions. ClinVar contains an entry for this variant (Variation ID: 1951653). An algorithm developed to predict the effect of missense changes on protein structure and function (PolyPhen-2) suggests that this variant is likely to be disruptive. In summary, the available evidence is currently insufficient to determine the role of this variant in disease. Therefore, it has been classified as a Variant of Uncertain Significance.